The following is an entry in ClinVar:

NM_139281.3(WDR36):c.-81G>T

Genes: WDR36 (WD repeat domain 36; plus strand), LOC129994346 (ATAC-STARR-seq lymphoblastoid active region 22888; plus strand). Cytogenetic location: 5q22.1.
Variant type: single nucleotide variant.
Coding change: c.-81G>T on transcript NM_139281.3 (MANE Select); 81 bases upstream of the start codon, G replaced by T.
Molecular consequence: 5 prime UTR variant.
Genome position (GRCh38, 1-based): chr5:111,092,376, G>T. VCF-style: chr5-111092376-G-T. GRCh37 (hg19) VCF-style: chr5-110428074-G-T.
Identifiers: ClinVar variation 3372392 (VCV003372392.1).
Genomic context (GRCh38, chr5:111,092,376, plus strand): 5'-AAACGCGATTCGCAGCGGGCGCCGGAAGCGGTGTTGTGTCTGCAGCTCTGGCAGAGGACT[G>T]TTCCACTAGACACGCTGAAGGGACTGGGTACGTGTTTTCCTTCAGGACCAGAGCTGAGAG-3'

ClinVar aggregate classification (germline): Uncertain significance (1 of 4 stars; one submission).

gnomAD v4.1: 2 of 1,614,248 alleles (0.00012%); highest among the groups gnomAD compares: Non-Finnish European, 0.00017%; no homozygotes.

Submission:

GeneDx
Classification: Uncertain significance. Last evaluated: 2024-04-16. Review status: criteria provided, single submitter. Criteria: GeneDx Variant Classification Process June 2021. Collection method: clinical testing. Allele origin: germline. Affected: yes.
Comment: Not observed at significant frequency in large population cohorts (gnomAD); In silico analysis indicates that this missense variant does not alter protein structure/function; Has not been previously published as pathogenic or benign to our knowledge